The following is an entry in ClinVar:

NM_052947.4(ALPK2):c.4299G>A (p.Gly1433=)

Genes: ALPK2 (alpha kinase 2; minus strand), LOC126862764 (BRD4-independent group 4 enhancer GRCh37_chr18:56202574-56203773; plus strand). Cytogenetic location: 18q21.31.
Variant type: single nucleotide variant.
Coding change: c.4299G>A on transcript NM_052947.4 (MANE Select); coding-DNA position 4299, G replaced by A.
Protein change: p.Gly1433=; no amino-acid change (glycine 1433 retained).
Molecular consequence: synonymous variant.
Genome position (GRCh38, 1-based): chr18:58,535,888, C>T on the plus strand (G>A on the coding strand, the complement: ALPK2 is on the minus strand). VCF-style: chr18-58535888-C-T. GRCh37 (hg19) VCF-style: chr18-56203120-C-T.
Other names: NC_000018.9:g.56203120C>T.
Identifiers: ClinVar variation 3059596 (VCV003059596.3), dbSNP rs3809981, ClinGen allele CA8976734.

ClinVar aggregate classification (germline): Benign (0 of 4 stars; one submission).

Conditions:
ALPK2-related disorder. Also called: ALPK2-related condition.

Allele frequency attached by ClinVar (database versions not stated): 1000 Genomes Project 30x 0.32698; 1000 Genomes Project 0.32987; TOPMed 0.39183; gnomAD 0.40859; ESP Exome Variant Server 0.40866; ExAC 0.42577.
gnomAD v4.1: 758,364 of 1,613,960 alleles (47%); highest among the groups gnomAD compares: Non-Finnish European, 51%; 183,411 homozygotes.

Submissions (2):

PreventionGenetics, part of Exact Sciences
Classification: Benign for ALPK2-related condition. Last evaluated: 2019-10-17. Review status: no assertion criteria provided. Collection method: clinical testing. Allele origin: germline.
Comment: This variant is classified as benign based on ACMG/AMP sequence variant interpretation guidelines (Richards et al. 2015 PMID: 25741868, with internal and published modifications).

Dr. Peter K. Rogan Lab, Western University
No classification provided (evidence only). Condition: Pancreatic adenocarcinoma. Review status: no classification provided. Collection method: in vitro. Allele origin: not applicable. Functional consequence: retained intron. Not counted in ClinVar's aggregate classification.